The following is an entry in ClinVar:

ClinVar aggregate classification (germline): Pathogenic (1 of 4 stars; one submission).

Conditions:
Mucolipidosis type II. Also called: Mucolipidosis II Alpha/Beta; ML II ALPHA/BETA; Mucolipidosis 2; ML 2; Inclusion cell disease; Leroy Disease. Identifiers: Orphanet 576, MedGen C2673377, MONDO:0009650, OMIM 252500.
Pseudo-Hurler polydystrophy. Also called: ML III; ML III ALPHA/BETA; Type III Mucolipidosis; ML IIIA; Mucolipidosis III Alpha/Beta; MUCOLIPIDOSIS IIIA. Identifiers: Orphanet 423461, Orphanet 577, MedGen C0033788, MONDO:0018931, OMIM 252600.

Submission:

Labcorp Genetics (formerly Invitae), Labcorp
Classification: Pathogenic for Pseudo-Hurler polydystrophy; Mucolipidosis type II. Last evaluated: 2024-02-19. Review status: criteria provided, single submitter. Criteria: Invitae Variant Classification Sherloc (09022015). Collection method: clinical testing. Allele origin: germline.
Comment: This sequence change creates a premature translational stop signal (p.Ser384Ilefs*2) in the GNPTAB gene. It is expected to result in an absent or disrupted protein product. Loss-of-function variants in GNPTAB are known to be pathogenic (PMID: 19617216, 25107912). This variant is not present in population databases (gnomAD no frequency). This variant has not been reported in the literature in individuals affected with GNPTAB-related conditions. Algorithms developed to predict the effect of sequence changes on RNA splicing suggest that this variant may disrupt the consensus splice site. For these reasons, this variant has been classified as Pathogenic.

Literature cited by the submitters: PubMed 19617216; PubMed 25107912.

NM_024312.5(GNPTAB):c.1147_1150dup (p.Ser384delinsIleTer)

Gene: GNPTAB (N-acetylglucosamine-1-phosphate transferase subunits alpha and beta; minus strand). Cytogenetic location: 12q23.2.
Variant type: Duplication.
Coding change: c.1147_1150dup on transcript NM_024312.5 (MANE Select); coding-DNA positions 1147 to 1150, 4 bases duplicated (TTTA; older notation c.1147_1150dupTTTA).
Protein change: p.Ser384delinsIleTer.
Molecular consequence: nonsense.
Genome position (GRCh38, 1-based): chr12:101,770,155-101,770,158, TAAA duplicated on the plus strand (TTTA on the coding strand, the reverse complement: GNPTAB is on the minus strand). VCF-style (leftmost placement, unchanged base first): chr12-101770154-C-CTAAA. GRCh37 (hg19) VCF-style: chr12-102163932-C-CTAAA.
Identifiers: ClinVar variation 3752364 (VCV003752364.2).